The following is an entry in ClinVar:

NM_002439.5(MSH3):c.2144G>A (p.Arg715Lys)

Gene: MSH3 (mutS homolog 3; plus strand). Cytogenetic location: 5q14.1.
Variant type: single nucleotide variant.
Coding change: c.2144G>A on transcript NM_002439.5 (MANE Select); coding-DNA position 2144, G replaced by A.
Protein change: p.Arg715Lys; replaces arginine 715 with lysine.
Molecular consequence: missense variant.
Genome position (GRCh38, 1-based): chr5:80,768,894, G>A. VCF-style: chr5-80768894-G-A. GRCh37 (hg19) VCF-style: chr5-80064713-G-A.
Other names: c.2144G>A (NM_002439.3); short protein forms R715K.
Identifiers: ClinVar variation 1498067 (VCV001498067.9), dbSNP rs2112885165, ClinGen allele CA360279382.

ClinVar aggregate classification (germline): Uncertain significance. Review status: criteria provided, multiple submitters, no conflicts (2 of 4 stars). 2 submissions from 2 submitters: Uncertain significance (2). Last evaluated 2024-09-09.

Conditions:
Hereditary cancer-predisposing syndrome. Also called: Tumor predisposition; Hereditary neoplastic syndrome; Neoplastic Syndromes, Hereditary; Hereditary Cancer Syndrome. Identifiers: Orphanet 140162, MedGen C0027672, MeSH D009386, MONDO:0015356.

Submissions (2):

Ambry Genetics
Classification: Uncertain significance for Hereditary cancer-predisposing syndrome. Last evaluated: 2024-09-09. Review status: criteria provided, single submitter. Criteria: Ambry Variant Classification Scheme 2023. Collection method: clinical testing. Allele origin: germline.
Comment: The p.R715K variant (also known as c.2144G>A), located in coding exon 15 of the MSH3 gene, results from a G to A substitution at nucleotide position 2144. The arginine at codon 715 is replaced by lysine, an amino acid with highly similar properties. This amino acid position is conserved. In addition, the in silico prediction for this alteration is inconclusive. Based on the available evidence, the clinical significance of this variant remains unclear.

Labcorp Genetics (formerly Invitae), Labcorp
Classification: Uncertain significance. Last evaluated: 2021-01-07. Review status: criteria provided, single submitter. Criteria: Invitae Variant Classification Sherloc (09022015). Collection method: clinical testing. Allele origin: germline.
Comment: In summary, the available evidence is currently insufficient to determine the role of this variant in disease. Therefore, it has been classified as a Variant of Uncertain Significance. Algorithms developed to predict the effect of missense changes on protein structure and function (SIFT, PolyPhen-2, Align-GVGD) all suggest that this variant is likely to be tolerated, but these predictions have not been confirmed by published functional studies and their clinical significance is uncertain. This variant has not been reported in the literature in individuals with MSH3-related conditions. This variant is not present in population databases (ExAC no frequency). This sequence change replaces arginine with lysine at codon 715 of the MSH3 protein (p.Arg715Lys). The arginine residue is moderately conserved and there is a small physicochemical difference between arginine and lysine.